The following is an entry in ClinVar:

ClinVar aggregate classification (germline): Uncertain significance. Review status: criteria provided, multiple submitters, no conflicts (2 of 4 stars). 2 submissions from 2 submitters: Uncertain significance (2). Last evaluated 2026-03-24.

Conditions:
TNC-related disorder. Also called: TNC-related condition.

Allele frequency attached by ClinVar (database versions not stated): TOPMed 0.00006; ESP Exome Variant Server 0.00008; gnomAD 0.00009; ExAC 0.00010.
gnomAD v4.1: 126 of 1,614,042 alleles (0.0078%); highest among the groups gnomAD compares: Middle Eastern, 0.033%; 1 homozygote.

Submissions (2):

PreventionGenetics, part of Exact Sciences
Classification: Uncertain significance for TNC-related condition. Last evaluated: 2026-03-24. Review status: criteria provided, single submitter. Criteria: ACMG Guidelines, 2015. Collection method: clinical testing. Allele origin: germline.
Comment: The TNC c.860A>G variant is predicted to result in the amino acid substitution p.Asn287Ser. To our knowledge, this variant has not been reported in the literature. This variant is reported in 0.021% of alleles in individuals of European (Non-Finnish) descent in gnomAD. Although we suspect that this variant may be benign, at this time, the clinical significance of this variant is uncertain due to the absence of conclusive functional and genetic evidence.

Ambry Genetics
Classification: Uncertain significance. Last evaluated: 2024-01-03. Review status: criteria provided, single submitter. Criteria: Ambry Variant Classification Scheme 2023. Collection method: clinical testing. Allele origin: germline.

NM_002160.4(TNC):c.860A>G (p.Asn287Ser)

Gene: TNC (tenascin C; minus strand). Cytogenetic location: 9q33.1.
Variant type: single nucleotide variant.
Coding change: c.860A>G on transcript NM_002160.4 (MANE Select); coding-DNA position 860, A replaced by G.
Protein change: p.Asn287Ser; replaces asparagine 287 with serine.
Molecular consequence: missense variant.
Genome position (GRCh38, 1-based): chr9:115,086,871, T>C on the plus strand (A>G on the coding strand, the complement: TNC is on the minus strand). VCF-style: chr9-115086871-T-C. GRCh37 (hg19) VCF-style: chr9-117849150-T-C.
Other names: c.860A>G, p.Asn287Ser (NM_001410991.1); short protein forms N287S.
Identifiers: ClinVar variation 3180151 (VCV003180151.2), dbSNP rs374002102, ClinGen allele CA5208943.
Genomic context (GRCh38, chr9:115,086,871, plus strand): 5'-CCCGTGAAACCCTCATCACACACGCACTCATTCTCCACGCATCGTCCACGGTTGTAGCAA[T>C]TGTTGAGACACAGAGGCTTGTTGCAGTCATCGCCTGCAAAGCCATCGTGGCACACACACA-3'
Protein context (NP_002151.2, residues 277-297): DDCNKPLCLN[Asn287Ser]CYNRGRCVEN